The following is an entry in ClinVar:

NR_033294.2(SNORD118):n.96G>A

Genes: SNORD118 (small nucleolar RNA, C/D box 118; minus strand), TMEM107 (transmembrane protein 107; minus strand). Cytogenetic location: 17p13.1.
Variant type: single nucleotide variant.
Molecular consequence: non-coding transcript variant (on NR_033294.2). On other transcripts: 3 prime UTR variant (5).
Genome position: GRCh38 VCF-style: chr17-8173493-C-T. GRCh37 (hg19) VCF-style: chr17-8076811-C-T.
Other names: c.*710G>A (NM_001351278.2, NM_001351279.2, NM_001351280.2 and 2 more transcripts).
Identifiers: ClinVar variation 1907015 (VCV001907015.4), dbSNP rs374602860, ClinGen allele CA8370639.

ClinVar aggregate classification (germline): Uncertain significance (1 of 4 stars; one submission).

Allele frequency attached by ClinVar (database versions not stated): ESP Exome Variant Server 0.00017; 1000 Genomes Project 0.00040; 1000 Genomes Project 30x 0.00062.
gnomAD v4.1: 119 of 765,086 alleles (0.016%); highest among the groups gnomAD compares: East Asian, 0.024%; no homozygotes.

Submission:

Labcorp Genetics (formerly Invitae), Labcorp
Classification: Uncertain significance. Last evaluated: 2024-10-22. Review status: criteria provided, single submitter. Criteria: Invitae Variant Classification Sherloc (09022015). Collection method: clinical testing. Allele origin: germline.
Comment: This variant occurs in the SNORD118 gene, which encodes an RNA molecule that does not result in a protein product. This variant is present in population databases (rs374602860, gnomAD 0.06%). This variant has not been reported in the literature in individuals affected with SNORD118-related conditions. ClinVar contains an entry for this variant (Variation ID: 1907015). Experimental studies and prediction algorithms are not available or were not evaluated, and the functional significance of this variant is currently unknown. In summary, the available evidence is currently insufficient to determine the role of this variant in disease. Therefore, it has been classified as a Variant of Uncertain Significance.